The following is an entry in ClinVar:

NM_017649.5(CNNM2):c.1306C>A (p.Gln436Lys)

Gene: CNNM2 (cyclin and CBS domain divalent metal cation transport mediator 2; plus strand). Cytogenetic location: 10q24.32.
Variant type: single nucleotide variant.
Coding change: c.1306C>A on transcript NM_017649.5 (MANE Select); coding-DNA position 1306, C replaced by A.
Protein change: p.Gln436Lys; replaces glutamine 436 with lysine.
Molecular consequence: missense variant.
Genome position (GRCh38, 1-based): chr10:102,919,786, C>A. VCF-style: chr10-102919786-C-A. GRCh37 (hg19) VCF-style: chr10-104679543-C-A.
Other names: c.1306C>A, p.Gln436Lys (NM_199076.3, NM_199077.3); short protein forms Q436K.
Identifiers: ClinVar variation 2100894 (VCV002100894.4), dbSNP rs2493376650, ClinGen allele CA377960574.
Genomic context (GRCh38, chr10:102,919,786, plus strand): 5'-GAGATGCTCCGGGTCACCGATCCCTACAACGACCTCGTTAAGGAGGAGCTGAACATCATC[C>A]AAGGGGCGCTGGAGCTCCGCACCAAGACGGTGGAGGACGTGATGACCCCACTCCGGGACT-3'
Protein context (NP_060119.3, residues 426-446): DLVKEELNII[Gln436Lys]GALELRTKTV

ClinVar aggregate classification (germline): Uncertain significance (1 of 4 stars; one submission).

Submission:

Labcorp Genetics (formerly Invitae), Labcorp
Classification: Uncertain significance. Last evaluated: 2022-06-02. Review status: criteria provided, single submitter. Criteria: Invitae Variant Classification Sherloc (09022015). Collection method: clinical testing. Allele origin: germline.
Comment: In summary, the available evidence is currently insufficient to determine the role of this variant in disease. Therefore, it has been classified as a Variant of Uncertain Significance. Algorithms developed to predict the effect of missense changes on protein structure and function (SIFT, PolyPhen-2, Align-GVGD) all suggest that this variant is likely to be tolerated. This variant has not been reported in the literature in individuals affected with CNNM2-related conditions. This variant is not present in population databases (gnomAD no frequency). This sequence change replaces glutamine, which is neutral and polar, with lysine, which is basic and polar, at codon 436 of the CNNM2 protein (p.Gln436Lys).